The following is an entry in ClinVar:

NM_001001331.4(ATP2B2):c.377C>T (p.Pro126Leu)

Gene: ATP2B2 (ATPase plasma membrane Ca2+ transporting 2; minus strand). Cytogenetic location: 3p25.3.
Variant type: single nucleotide variant.
Coding change: c.377C>T on transcript NM_001001331.4 (MANE Select); coding-DNA position 377, C replaced by T.
Protein change: p.Pro126Leu; replaces proline 126 with leucine.
Molecular consequence: missense variant.
Genome position (GRCh38, 1-based): chr3:10,410,638, G>A on the plus strand (C>T on the coding strand, the complement: ATP2B2 is on the minus strand). VCF-style: chr3-10410638-G-A. GRCh37 (hg19) VCF-style: chr3-10452322-G-A.
Other names: c.377C>T, p.Pro126Leu (NM_001330611.3, NM_001353564.1, NM_001363862.1 and 3 more transcripts); short protein forms P126L.
Identifiers: ClinVar variation 4983168 (VCV004983168.1).

ClinVar aggregate classification (germline): Uncertain significance (1 of 4 stars; one submission).

Conditions:
ATP2B2-related disorder. Also called: ATP2B2-related condition.

gnomAD v4.1: 3 of 1,607,954 alleles (0.00019%); highest among the groups gnomAD compares: African/African-American, 0.0013%; no homozygotes.

Submission:

PreventionGenetics, part of Exact Sciences
Classification: Uncertain significance for ATP2B2-related condition. Last evaluated: 2024-10-18. Review status: criteria provided, single submitter. Criteria: ACMG Guidelines, 2015. Collection method: clinical testing. Allele origin: germline.
Comment: The ATP2B2 c.377C>T variant is predicted to result in the amino acid substitution p.Pro126Leu. To our knowledge, this variant has not been reported in the literature. This variant is reported in 0.011% of alleles in individuals of African descent in gnomAD. At this time, the clinical significance of this variant is uncertain due to the absence of conclusive functional and genetic evidence.